The following is an entry in ClinVar:

NM_000455.5(STK11):c.297T>C (p.Ile99=)

Gene: STK11 (serine/threonine kinase 11; plus strand). Cytogenetic location: 19p13.3.
Variant type: single nucleotide variant.
Coding change: c.297T>C on transcript NM_000455.5 (MANE Select); coding-DNA position 297, T replaced by C.
Protein change: p.Ile99=; no amino-acid change (isoleucine 99 retained).
Molecular consequence: synonymous variant. On other transcripts: non-coding transcript variant (1).
Genome position (GRCh38, 1-based): chr19:1,218,423, T>C. VCF-style: chr19-1218423-T-C. GRCh37 (hg19) VCF-style: chr19-1218422-T-C.
Other names: c.297T>C, p.Ile99= (NM_001407255.1).
Identifiers: ClinVar variation 3903676 (VCV003903676.1).

ClinVar aggregate classification (germline): Benign (1 of 4 stars; one submission).

Conditions:
Peutz-Jeghers syndrome (PJS). Also called: POLYPOSIS, HAMARTOMATOUS INTESTINAL; POLYPS-AND-SPOTS SYNDROME; Peutz-Jeghers polyposis; Periorificial lentiginosis syndrome. Identifiers: Orphanet 2869, MedGen C0031269, MeSH D010580, MONDO:0008280, OMIM 175200.

Submission:

Myriad Genetics, Inc.
Classification: Benign for Peutz-Jeghers syndrome. Last evaluated: 2025-03-25. Review status: criteria provided, single submitter. Criteria: Myriad Autosomal Dominant, Autosomal Recessive and X-Linked Classification Criteria (2023). Collection method: clinical testing. Allele origin: unknown.
Comment: This variant is considered benign. This variant is a silent/synonymous amino acid change and it is not expected to impact splicing.